The following is an entry in ClinVar:

ClinVar aggregate classification (germline): Uncertain significance. Review status: criteria provided, multiple submitters, no conflicts (2 of 4 stars). 2 submissions from 2 submitters: Uncertain significance (2). Last evaluated 2025-09-04.

Conditions:
Hypertrophic cardiomyopathy. Also called: HYPERTROPHIC MYOCARDIOPATHY. Identifiers: Orphanet 217569, MedGen C0007194, MeSH D002312, MONDO:0005045, HP:0001639.
Cardiomyopathy (CMYO). Also called: Cardiomyopathies. Identifiers: Orphanet 167848, MedGen C0878544, MONDO:0004994, HP:0001638. Inheritance: Various modes of inheritance.

Allele frequency attached by ClinVar (database versions not stated): ExAC 0.00002; gnomAD exomes below 0.00001.
gnomAD v4.1: 4 of 1,612,718 alleles (0.00025%); highest among the groups gnomAD compares: Non-Finnish European, 0.00034%; no homozygotes.

Submissions (2):

Color Diagnostics, LLC DBA Color Health
Classification: Uncertain significance for Cardiomyopathy. Last evaluated: 2025-09-04. Review status: criteria provided, single submitter. Criteria: ACMG Guidelines, 2015. Collection method: clinical testing. Allele origin: germline.
Comment: This variant causes a C to T nucleotide substitution at the +5 position of intron 5 of the TNNI3 gene. To our knowledge, functional studies have not been reported for this variant. This variant has not been reported in individuals affected with TNNI3-related disorders in the literature. This variant has been identified in 2/242342 chromosomes in the general population by the Genome Aggregation Database (gnomAD). The available evidence is insufficient to determine the role of this variant in disease conclusively. Therefore, this variant is classified as a Variant of Uncertain Significance.

All of Us Research Program, National Institutes of Health
Classification: Uncertain significance for Hypertrophic cardiomyopathy. Last evaluated: 2023-05-16. Review status: criteria provided, single submitter. Criteria: ACMG Guidelines, 2015. Collection method: clinical testing. Allele origin: germline. Inheritance: Autosomal dominant inheritance. Observed: 1 variant allele, 1 heterozygote.
Comment: This variant causes a C to T nucleotide substitution at the +5 position of intron 5 of the TNNI3 gene. To our knowledge, functional studies have not been reported for this variant. This variant has not been reported in individuals affected with TNNI3-related disorders in the literature. This variant has been identified in 2/242342 chromosomes in the general population by the Genome Aggregation Database (gnomAD). The available evidence is insufficient to determine the role of this variant in disease conclusively. Therefore, this variant is classified as a Variant of Uncertain Significance.

This study involves interpretation of variants in research participants for the purpose of population health screening. Participant phenotype was not available at the time of variant classification. Additional details can be found in publication PMID: 35346344, PMCID: PMC8962531

NM_000363.5(TNNI3):c.282+5C>T

Gene: TNNI3 (troponin I3, cardiac type; minus strand). Cytogenetic location: 19q13.42.
Variant type: single nucleotide variant.
Coding change: c.282+5C>T on transcript NM_000363.5 (MANE Select); 5 bases into the intron after coding-DNA position 282, C replaced by T.
Molecular consequence: intron variant.
Genome position (GRCh38, 1-based): chr19:55,156,196, G>A on the plus strand (C>T on the coding strand, the complement: TNNI3 is on the minus strand). VCF-style: chr19-55156196-G-A. GRCh37 (hg19) VCF-style: chr19-55667564-G-A.
Identifiers: ClinVar variation 3071155 (VCV003071155.2), dbSNP rs770260866, ClinGen allele CA051073.